The following is an entry in ClinVar:

NM_000548.5(TSC2):c.1444-15C>T

Gene: TSC2 (TSC complex subunit 2; plus strand). Cytogenetic location: 16p13.3.
Variant type: single nucleotide variant.
Coding change: c.1444-15C>T on transcript NM_000548.5 (MANE Select); 15 bases into the intron before coding-DNA position 1444, C replaced by T.
Molecular consequence: intron variant.
Genome position (GRCh38, 1-based): chr16:2,064,257, C>T. VCF-style: chr16-2064257-C-T. GRCh37 (hg19) VCF-style: chr16-2114258-C-T.
Other names: c.100-15C>T (NM_001406693.1, NM_001406689.1, NM_001406690.1 and 6 more transcripts); c.1534-15C>T (NM_001406667.1, NM_001406668.1); c.844-15C>T (NM_001406680.1, NM_001406683.1, NM_001406687.1 and 6 more transcripts); c.-159-15C>T (NM_001406698.1); c.1444-15C>T (NM_001114382.3, NM_001406663.1, NM_001406664.1 and 6 more transcripts); c.1432-15C>T (NM_001406671.1, NM_001406673.1); c.982-15C>T (NM_001406681.1); c.1333-15C>T (NM_001406670.1, NM_001318827.2, NM_001406678.1); and 3 more.
Identifiers: ClinVar variation 2799967 (VCV002799967.5), dbSNP rs781524288, ClinGen allele CA030388.

ClinVar aggregate classification (germline): Likely benign. Review status: criteria provided, multiple submitters, no conflicts (2 of 4 stars). 3 submissions from 3 submitters: Likely benign (3). Last evaluated 2025-05-14.

Conditions:
Tuberous sclerosis 2 (TSC2). Identifiers: Orphanet 805, MedGen C1860707, MONDO:0013199, OMIM 613254.
Tuberous sclerosis syndrome (TSC). Also called: Tuberous Sclerosis Complex; Tuberous sclerosis. Identifiers: Orphanet 805, MedGen C0041341, MONDO:0001734.

Allele frequency attached by ClinVar (database versions not stated): gnomAD exomes below 0.00001; ExAC 0.00001.
gnomAD v4.1: 3 of 1,613,838 alleles (0.00019%); highest among the groups gnomAD compares: Non-Finnish European, 0.00025%; no homozygotes.

Submissions (3):

Myriad Genetics, Inc.
Classification: Likely benign for Tuberous sclerosis 2. Last evaluated: 2025-05-14. Review status: criteria provided, single submitter. Criteria: Myriad Autosomal Dominant, Autosomal Recessive and X-Linked Classification Criteria (2023). Collection method: clinical testing. Allele origin: unknown.
Comment: This variant is considered likely benign. This variant is intronic and is not expected to impact mRNA splicing.

Labcorp Genetics (formerly Invitae), Labcorp
Classification: Likely benign for Tuberous sclerosis 2. Last evaluated: 2024-07-23. Review status: criteria provided, single submitter. Criteria: Invitae Variant Classification Sherloc (09022015). Collection method: clinical testing. Allele origin: germline.

All of Us Research Program, National Institutes of Health
Classification: Likely benign for Tuberous sclerosis syndrome. Last evaluated: 2023-12-18. Review status: criteria provided, single submitter. Criteria: ACMG Guidelines, 2015. Collection method: clinical testing. Allele origin: germline. Inheritance: Autosomal dominant inheritance. Observed: 1 variant allele, 1 heterozygote.
Comment: This study involves interpretation of variants in research participants for the purpose of population health screening. Participant phenotype was not available at the time of variant classification. Additional details can be found in publication PMID: 35346344, PMCID: PMC8962531